The following is an entry in ClinVar:

NM_000092.5(COL4A4):c.4082-9T>G

Gene: COL4A4 (collagen type IV alpha 4 chain; minus strand). Cytogenetic location: 2q36.3.
Variant type: single nucleotide variant.
Coding change: c.4082-9T>G on transcript NM_000092.5 (MANE Select); 9 bases into the intron before coding-DNA position 4082, T replaced by G.
Molecular consequence: intron variant.
Genome position (GRCh38, 1-based): chr2:227,025,819, A>C on the plus strand (T>G on the coding strand, the complement: COL4A4 is on the minus strand). VCF-style: chr2-227025819-A-C. GRCh37 (hg19) VCF-style: chr2-227890535-A-C.
Identifiers: ClinVar variation 4847521 (VCV004847521.1).

ClinVar aggregate classification (germline): Uncertain significance (1 of 4 stars; one submission).

Submission:

Women's Health and Genetics/Laboratory Corporation of America, LabCorp
Classification: Uncertain significance. Last evaluated: 2026-03-03. Review status: criteria provided, single submitter. Criteria: LabCorp Variant Classification Summary - May 2015. Collection method: clinical testing. Allele origin: germline.
Comment: Variant summary: COL4A4 c.4082-9T>G alters a nucleotide located at a position not widely known to affect splicing. Several computational tools predict a significant impact on normal splicing: One predicts the variant abolishes a 3' acceptor site. Three predict the variant weakens a 3' acceptor site. However, these predictions have yet to be confirmed by functional studies. The variant was absent in 245676 control chromosomes. The available data on variant occurrences in the general population are insufficient to allow any conclusion about variant significance. To our knowledge, no occurrence of c.4082-9T>G in individuals affected with COL4A4-related conditions and no experimental evidence demonstrating its impact on protein function have been reported. No submitters have cited clinical-significance assessments for this variant to ClinVar. Based on the evidence outlined above, the variant was classified as uncertain significance.